The following is an entry in ClinVar:

ClinVar aggregate classification (germline): Uncertain significance (1 of 4 stars; one submission).

Conditions:
Imerslund-Grasbeck syndrome. Also called: ENTEROCYTE COBALAMIN MALABSORPTION; ENTEROCYTE INTRINSIC FACTOR RECEPTOR, DEFECT OF; PERNICIOUS ANEMIA, JUVENILE, DUE TO SELECTIVE INTESTINAL MALABSORPTION OF VITAMIN B12, WITH PROTEINURIA; Megaloblastic anemia due to inborn errors of metabolism; Imerslund-Gräsbeck syndrome. Identifiers: Orphanet 35858, MedGen C4551825, MONDO:0009853.

gnomAD v4.1: 2 of 1,614,016 alleles (0.00012%); highest among the groups gnomAD compares: East Asian, 0.0022%; no homozygotes.

Submission:

Labcorp Genetics (formerly Invitae), Labcorp
Classification: Uncertain significance for Imerslund-Grasbeck syndrome. Last evaluated: 2025-08-28. Review status: criteria provided, single submitter. Criteria: Invitae Variant Classification Sherloc (09022015). Collection method: clinical testing. Allele origin: germline.
Comment: This sequence change replaces isoleucine, which is neutral and non-polar, with valine, which is neutral and non-polar, at codon 697 of the CUBN protein (p.Ile697Val). This variant is not present in population databases (gnomAD no frequency). This variant has not been reported in the literature in individuals affected with CUBN-related conditions. Invitae Evidence Modeling of protein sequence and biophysical properties (such as structural, functional, and spatial information, amino acid conservation, physicochemical variation, residue mobility, and thermodynamic stability) indicates that this missense variant is not expected to disrupt CUBN protein function with a negative predictive value of 80%. In summary, the available evidence is currently insufficient to determine the role of this variant in disease. Therefore, it has been classified as a Variant of Uncertain Significance.

NM_001081.4(CUBN):c.2089A>G (p.Ile697Val)

Gene: CUBN (cubilin; minus strand). Cytogenetic location: 10p13.
Variant type: single nucleotide variant.
Coding change: c.2089A>G on transcript NM_001081.4 (MANE Select); coding-DNA position 2089, A replaced by G.
Protein change: p.Ile697Val; replaces isoleucine 697 with valine.
Molecular consequence: missense variant.
Genome position (GRCh38, 1-based): chr10:17,085,618, T>C on the plus strand (A>G on the coding strand, the complement: CUBN is on the minus strand). VCF-style: chr10-17085618-T-C. GRCh37 (hg19) VCF-style: chr10-17127617-T-C.
Other names: short protein forms I697V.
Identifiers: ClinVar variation 4704499 (VCV004704499.1).
Genomic context (GRCh38, chr10:17,085,618, plus strand): 5'-TCAAATCCCTCTTAAGCCCCCAACTGGTAGGTTACTTACAAGGTGATGTTAAGTAGGTGA[T>C]ATGGAAGCCTTGGTCACTAATCTGGGAGTCTGAATGGAAGTGAATTCTGGCAAAGGGGCC-3'
Protein context (NP_001072.2, residues 687-707): DSQISDQGFH[Ile697Val]TYLTSPSDLR